The following is an entry in ClinVar:

ClinVar aggregate classification (germline): Uncertain significance. Review status: criteria provided, multiple submitters, no conflicts (2 of 4 stars). 3 submissions from 3 submitters: Uncertain significance (3). Last evaluated 2025-06-07.

Conditions:
Inborn genetic diseases. Identifiers: MedGen C0950123, MeSH D030342.

Allele frequency attached by ClinVar (database versions not stated): gnomAD exomes below 0.00001; ExAC 0.00001; TOPMed 0.00002.
gnomAD v4.1: 19 of 1,614,046 alleles (0.0012%); highest among the groups gnomAD compares: South Asian, 0.0077%; no homozygotes.

Submissions (3):

Ambry Genetics
Classification: Uncertain significance for Inborn genetic diseases. Last evaluated: 2025-06-07. Review status: criteria provided, single submitter. Criteria: Ambry Variant Classification Scheme 2023. Collection method: clinical testing. Allele origin: germline.

Blueprint Genetics
Classification: Uncertain significance. Last evaluated: 2024-03-18. Review status: criteria provided, single submitter. Criteria: ACMG Guidelines, 2015. Collection method: clinical testing. Allele origin: germline.

Labcorp Genetics (formerly Invitae), Labcorp
Classification: Uncertain significance. Last evaluated: 2020-12-26. Review status: criteria provided, single submitter. Criteria: Invitae Variant Classification Sherloc (09022015). Collection method: clinical testing. Allele origin: germline.
Comment: This sequence change replaces arginine with tryptophan at codon 603 of the ADAMTS18 protein (p.Arg603Trp). The arginine residue is highly conserved and there is a moderate physicochemical difference between arginine and tryptophan. This variant is present in population databases (rs760867980, ExAC 0.006%). This variant has not been reported in the literature in individuals with ADAMTS18-related conditions. Algorithms developed to predict the effect of missense changes on protein structure and function are either unavailable or do not agree on the potential impact of this missense change (SIFT: "Not Available"; PolyPhen-2: "Probably Damaging"; Align-GVGD: "Not Available"). In summary, the available evidence is currently insufficient to determine the role of this variant in disease. Therefore, it has been classified as a Variant of Uncertain Significance.

NM_199355.4(ADAMTS18):c.1807C>T (p.Arg603Trp)

Gene: ADAMTS18 (ADAM metallopeptidase with thrombospondin type 1 motif 18; minus strand). Cytogenetic location: 16q23.1.
Variant type: single nucleotide variant.
Coding change: c.1807C>T on transcript NM_199355.4 (MANE Select); coding-DNA position 1807, C replaced by T.
Protein change: p.Arg603Trp; replaces arginine 603 with tryptophan.
Molecular consequence: missense variant.
Genome position (GRCh38, 1-based): chr16:77,335,808, G>A on the plus strand (C>T on the coding strand, the complement: ADAMTS18 is on the minus strand). VCF-style: chr16-77335808-G-A. GRCh37 (hg19) VCF-style: chr16-77369705-G-A.
Other names: c.1291C>T, p.Arg431Trp (NM_001326358.2); c.1807C>T (NM_199355.2); short protein forms R431W, R603W.
Identifiers: ClinVar variation 1367793 (VCV001367793.8), dbSNP rs760867980, ClinGen allele CA8181158.